The following is an entry in ClinVar:

NM_000093.5(COL5A1):c.1094A>T (p.Asp365Val)

Gene: COL5A1 (collagen type V alpha 1 chain; plus strand). Cytogenetic location: 9q34.3.
Variant type: single nucleotide variant.
Coding change: c.1094A>T on transcript NM_000093.5 (MANE Select); coding-DNA position 1094, A replaced by T.
Protein change: p.Asp365Val; replaces aspartic acid 365 with valine.
Molecular consequence: missense variant.
Genome position (GRCh38, 1-based): chr9:134,730,405, A>T. VCF-style: chr9-134730405-A-T. GRCh37 (hg19) VCF-style: chr9-137622251-A-T.
Other names: c.1094A>T, p.Asp365Val (NM_001278074.1); short protein forms D365V.
Identifiers: ClinVar variation 2575853 (VCV002575853.2), dbSNP rs2490501789, ClinGen allele CA375449958.

ClinVar aggregate classification (germline): Uncertain significance (1 of 4 stars; one submission).

Submission:

GeneDx
Classification: Uncertain significance. Last evaluated: 2024-08-12. Review status: criteria provided, single submitter. Criteria: GeneDx Variant Classification Process June 2021. Collection method: clinical testing. Allele origin: germline. Affected: yes.
Comment: Not observed at significant frequency in large population cohorts (gnomAD); In silico analysis indicates that this missense variant does not alter protein structure/function; Not located in the triple helical region, where the majority of pathogenic missense variants occur (HGMD, PMID: 22696272); Has not been previously published as pathogenic or benign to our knowledge; This variant is associated with the following publications: (PMID: 22696272)